The following is an entry in ClinVar:

ClinVar aggregate classification (germline): Conflicting classifications of pathogenicity. Review status: criteria provided, conflicting classifications (1 of 4 stars). 2 submissions from 2 submitters: Uncertain significance (1); Likely benign (1). Last evaluated 2025-02-21.

Conditions:
Hereditary cancer-predisposing syndrome. Also called: Neoplastic Syndromes, Hereditary; Tumor predisposition; Hereditary Cancer Syndrome; Hereditary neoplastic syndrome. Identifiers: Orphanet 140162, MedGen C0027672, MeSH D009386, MONDO:0015356.

Allele frequency attached by ClinVar (database versions not stated): gnomAD exomes below 0.00001.
gnomAD v4.1: 2 of 1,614,160 alleles (0.00012%); highest among the groups gnomAD compares: South Asian, 0.0022%; no homozygotes.

Submissions (2):

Labcorp Genetics (formerly Invitae), Labcorp
Classification: Uncertain significance. Last evaluated: 2025-02-21. Review status: criteria provided, single submitter. Criteria: Invitae Variant Classification Sherloc (09022015). Collection method: clinical testing. Allele origin: germline.
Comment: This sequence change replaces glutamine, which is neutral and polar, with arginine, which is basic and polar, at codon 67 of the CTNNA1 protein (p.Gln67Arg). This variant is not present in population databases (gnomAD no frequency). This variant has not been reported in the literature in individuals affected with CTNNA1-related conditions. ClinVar contains an entry for this variant (Variation ID: 1784372). Invitae Evidence Modeling of protein sequence and biophysical properties (such as structural, functional, and spatial information, amino acid conservation, physicochemical variation, residue mobility, and thermodynamic stability) indicates that this missense variant is not expected to disrupt CTNNA1 protein function with a negative predictive value of 80%. In summary, the available evidence is currently insufficient to determine the role of this variant in disease. Therefore, it has been classified as a Variant of Uncertain Significance.

Ambry Genetics
Classification: Likely benign for Hereditary cancer-predisposing syndrome. Last evaluated: 2024-12-16. Review status: criteria provided, single submitter. Criteria: Ambry Variant Classification Scheme 2023. Collection method: clinical testing. Allele origin: germline.

NM_001903.5(CTNNA1):c.200A>G (p.Gln67Arg)

Gene: CTNNA1 (catenin alpha 1; plus strand). Cytogenetic location: 5q31.2.
Variant type: single nucleotide variant.
Coding change: c.200A>G on transcript NM_001903.5 (MANE Select); coding-DNA position 200, A replaced by G.
Protein change: p.Gln67Arg; replaces glutamine 67 with arginine.
Molecular consequence: missense variant. On other transcripts: 5 prime UTR variant (1), intron variant (1).
Genome position (GRCh38, 1-based): chr5:138,783,271, A>G. VCF-style: chr5-138783271-A-G. GRCh37 (hg19) VCF-style: chr5-138118960-A-G.
Other names: c.200A>G, p.Gln67Arg (NM_001323984.2, NM_001323985.2, NM_001323986.2 and 3 more transcripts); c.-7A>G (NM_001290310.3); c.-9+1242A>G (NM_001290309.3); short protein forms Q67R.
Identifiers: ClinVar variation 1784372 (VCV001784372.9), dbSNP rs2532178661, ClinGen allele CA361477457.
Genomic context (GRCh38, chr5:138,783,271, plus strand): 5'-CCTCTAATAAGAAGAGAGGTCGTTCTAAGAAGGCCCATGTTTTGGCTGCATCTGTTGAAC[A>G]AGCAACTGAGAATTTCTTGGAGAAGGGGGATAAAATTGCGAAGGAGAGCCAGTTTCTCAA-3'
Protein context (NP_001894.2, residues 57-77): KAHVLAASVE[Gln67Arg]ATENFLEKGD